The following is an entry in ClinVar:

ClinVar aggregate classification (germline): Uncertain significance (1 of 4 stars; one submission).

Conditions:
Congenital myopathy 4B, autosomal recessive. Also called: Nemaline myopathy 1, autosomal dominant or recessive. Identifiers: Orphanet 171433, Orphanet 171439, Orphanet 171881, MedGen C5829889, MONDO:0012239, OMIM 609284.
Congenital myopathy with fiber type disproportion. Also called: Congenital fiber-type disproportion myopathy; Congenital fiber-type disproportion. Identifiers: Orphanet 2020, MedGen C0546264, MONDO:0009711. Inheritance: all.

Allele frequency attached by ClinVar (database versions not stated): gnomAD exomes below 0.00001.
gnomAD v4.1: 1 of 1,614,090 alleles (0.000062%); highest among the groups gnomAD compares: Non-Finnish European, 0.000085%; no homozygotes.

Submission:

Labcorp Genetics (formerly Invitae), Labcorp
Classification: Uncertain significance for Congenital myopathy with fiber type disproportion; Congenital myopathy 4B, autosomal recessive. Last evaluated: 2025-12-15. Review status: criteria provided, single submitter. Criteria: Invitae Variant Classification Sherloc (09022015). Collection method: clinical testing. Allele origin: germline.
Comment: This sequence change replaces alanine, which is neutral and non-polar, with valine, which is neutral and non-polar, at codon 82 of the TPM3 protein (p.Ala82Val). This variant is not present in population databases (gnomAD no frequency). This variant has not been reported in the literature in individuals affected with TPM3-related conditions. ClinVar contains an entry for this variant (Variation ID: 1715660). An algorithm developed to predict the effect of missense changes on protein structure and function (PolyPhen-2) suggests that this variant is likely to be tolerated. In summary, the available evidence is currently insufficient to determine the role of this variant in disease. Therefore, it has been classified as a Variant of Uncertain Significance.

NM_152263.4(TPM3):c.245C>T (p.Ala82Val)

Gene: TPM3 (tropomyosin 3; minus strand). Cytogenetic location: 1q21.3.
Variant type: single nucleotide variant.
Coding change: c.245C>T on transcript NM_152263.4 (MANE Select); coding-DNA position 245, C replaced by T.
Protein change: p.Ala82Val; replaces alanine 82 with valine.
Molecular consequence: missense variant. On other transcripts: 5 prime UTR variant (1), non-coding transcript variant (1), intron variant (1).
Genome position (GRCh38, 1-based): chr1:154,176,247, G>A on the plus strand (C>T on the coding strand, the complement: TPM3 is on the minus strand). VCF-style: chr1-154176247-G-A. GRCh37 (hg19) VCF-style: chr1-154148723-G-A.
Other names: c.134C>T, p.Ala45Val (NM_001043351.2, NM_001043352.2, NM_001043353.2 and 5 more transcripts); c.-137C>T (NM_001278191.2); c.245C>T, p.Ala82Val (NM_001364679.2, NM_001364680.2, NM_001364681.2 and 1 more transcripts); c.69-3046C>T (NM_001278188.2); short protein forms A45V, A82V.
Identifiers: ClinVar variation 1715660 (VCV001715660.6), dbSNP rs2526082717, ClinGen allele CA342585164.